The following is an entry in ClinVar:

NM_001166108.2(PALLD):c.1965-12540G>C

Gene: PALLD (palladin, cytoskeletal associated protein; plus strand). Cytogenetic location: 4q32.3.
Variant type: single nucleotide variant.
Coding change: c.1965-12540G>C on transcript NM_001166108.2 (MANE Select); 12540 bases into the intron before coding-DNA position 1965, G replaced by C.
Molecular consequence: intron variant. On other transcripts: missense variant (1).
Genome position (GRCh38, 1-based): chr4:168,878,382, G>C. VCF-style: chr4-168878382-G-C. GRCh37 (hg19) VCF-style: chr4-169799533-G-C.
Other names: c.491G>C, p.Gly164Ala (NM_001166110.2); c.1965-12540G>C (NM_016081.4); c.819-12540G>C (NM_001166109.2); c.-157-12540G>C (NM_001367570.1, NM_001367568.1, NM_001367567.1 and 1 more transcripts); short protein forms G164A.
Identifiers: ClinVar variation 3885281 (VCV003885281.1).

ClinVar aggregate classification (germline): Uncertain significance (1 of 4 stars; one submission).

Submission:

Ambry Genetics
Classification: Uncertain significance. Last evaluated: 2024-12-21. Review status: criteria provided, single submitter. Criteria: Ambry Variant Classification Scheme 2023. Collection method: clinical testing. Allele origin: germline.
Comment: The p.G164A variant (also known as c.491G>C), located in coding exon 1 of the PALLD gene, results from a G to C substitution at nucleotide position 491. The glycine at codon 164 is replaced by alanine, an amino acid with similar properties. This amino acid position is conserved. In addition, this alteration is predicted to be tolerated by in silico analysis. Based on the available evidence, the clinical significance of this variant remains unclear.